The following is an entry in ClinVar:

ClinVar aggregate classification (germline): Uncertain significance (1 of 4 stars; one submission).

Submission:

Labcorp Genetics (formerly Invitae), Labcorp
Classification: Uncertain significance. Last evaluated: 2024-10-29. Review status: criteria provided, single submitter. Criteria: Invitae Variant Classification Sherloc (09022015). Collection method: clinical testing. Allele origin: germline.
Comment: This sequence change replaces asparagine, which is neutral and polar, with aspartic acid, which is acidic and polar, at codon 194 of the C2 protein (p.Asn194Asp). This variant is not present in population databases (gnomAD no frequency). This variant has not been reported in the literature in individuals affected with C2-related conditions. ClinVar contains an entry for this variant (Variation ID: 1970320). An algorithm developed to predict the effect of missense changes on protein structure and function outputs the following: PolyPhen-2: "Benign". The aspartic acid amino acid residue is found in multiple mammalian species, which suggests that this missense change does not adversely affect protein function. In summary, the available evidence is currently insufficient to determine the role of this variant in disease. Therefore, it has been classified as a Variant of Uncertain Significance.

NM_000063.6(C2):c.580A>G (p.Asn194Asp)

Gene: C2 (complement C2; plus strand). Cytogenetic location: 6p21.33.
Variant type: single nucleotide variant.
Coding change: c.580A>G on transcript NM_000063.6 (MANE Select); coding-DNA position 580, A replaced by G.
Protein change: p.Asn194Asp; replaces asparagine 194 with aspartic acid.
Molecular consequence: missense variant. On other transcripts: synonymous variant (1).
Genome position (GRCh38, 1-based): chr6:31,933,747, A>G. VCF-style: chr6-31933747-A-G. GRCh37 (hg19) VCF-style: chr6-31901524-A-G.
Other names: c.184A>G, p.Asn62Asp (NM_001145903.3); c.211A>G, p.Asn71Asp (NM_001178063.3); c.75A>G, p.Ala25= (NM_001282457.2); c.493A>G, p.Asn165Asp (NM_001282458.2); c.580A>G, p.Asn194Asp (NM_001282459.2); short protein forms N194D, N165D, N62D, N71D.
Identifiers: ClinVar variation 1970320 (VCV001970320.4), dbSNP rs2482517974, ClinGen allele CA363496475.